The following is an entry in ClinVar:

NM_004991.4(MECOM):c.2713C>T (p.Pro905Ser)

Gene: MECOM (MDS1 and EVI1 complex locus; minus strand). Cytogenetic location: 3q26.2.
Variant type: single nucleotide variant.
Coding change: c.2713C>T on transcript NM_004991.4 (MANE Select); coding-DNA position 2713, C replaced by T.
Protein change: p.Pro905Ser; replaces proline 905 with serine.
Molecular consequence: missense variant.
Genome position (GRCh38, 1-based): chr3:169,102,118, G>A on the plus strand (C>T on the coding strand, the complement: MECOM is on the minus strand). VCF-style: chr3-169102118-G-A. GRCh37 (hg19) VCF-style: chr3-168819906-G-A.
Other names: c.2344C>T, p.Pro782Ser (NM_001105077.4); c.2149C>T, p.Pro717Ser (NM_001105078.4, NM_001205194.2, NM_001366469.2 and 1 more transcripts); c.2125C>T, p.Pro709Ser (NM_001163999.2, NM_001366470.2); c.2122C>T, p.Pro708Ser (NM_001164000.2, NM_001366471.2, NM_001366472.2); c.2686C>T, p.Pro896Ser (NM_001366466.2); c.2152C>T, p.Pro718Ser (NM_001366467.2, NM_001366468.2); c.1714C>T, p.Pro572Ser (NM_001366473.2); c.1150C>T, p.Pro384Ser (NM_001366474.2); short protein forms P708S, P718S, P782S, P717S, P896S, P905S, P384S, P572S.
Identifiers: ClinVar variation 3871659 (VCV003871659.1).

ClinVar aggregate classification (germline): Uncertain significance (1 of 4 stars; one submission).

Conditions:
Inborn genetic diseases. Identifiers: MedGen C0950123, MeSH D030342.

gnomAD v4.1: 2 of 1,613,748 alleles (0.00012%); highest among the groups gnomAD compares: East Asian, 0.0022%; no homozygotes.

Submission:

Ambry Genetics
Classification: Uncertain significance for Inborn genetic diseases. Last evaluated: 2025-01-03. Review status: criteria provided, single submitter. Criteria: Ambry Variant Classification Scheme 2023. Collection method: clinical testing. Allele origin: germline.
Comment: The p.P905S variant (also known as c.2713C>T), located in coding exon 11 of the MECOM gene, results from a C to T substitution at nucleotide position 2713. The proline at codon 905 is replaced by serine, an amino acid with similar properties. This amino acid position is conserved. In addition, this alteration is predicted to be tolerated by in silico analysis. Based on the available evidence, the clinical significance of this variant remains unclear.